The following is an entry in ClinVar:

ClinVar aggregate classification (germline): Likely benign. Review status: criteria provided, multiple submitters, no conflicts (2 of 4 stars). 2 submissions from 2 submitters: Likely benign (2). Last evaluated 2024-10-24.

Conditions:
ADNP-related multiple congenital anomalies - intellectual disability - autism spectrum disorder. Also called: Helsmoortel-Van der Aa Syndrome; ADNP-Related Helsmoortel-Van der Aa Syndrome. Identifiers: Orphanet 404448, MedGen C4014538, MONDO:0014379, OMIM 615873. Disease mechanism: loss of function.

Submissions (2):

Labcorp Genetics (formerly Invitae), Labcorp
Classification: Likely benign. Last evaluated: 2024-10-24. Review status: criteria provided, single submitter. Criteria: Invitae Variant Classification Sherloc (09022015). Collection method: clinical testing. Allele origin: germline.

3billion
Classification: Likely benign for ADNP-related multiple congenital anomalies - intellectual disability - autism spectrum disorder. Last evaluated: 2024-09-20. Review status: criteria provided, single submitter. Criteria: ACMG Guidelines, 2015. Collection method: clinical testing. Allele origin: germline. Affected: no.
Comment: The variant was identified in at least one patient who was diagnosed with a different variant in another gene and showed no symptoms related to the gene containing the variant in question.

NM_001282531.3(ADNP):c.3017C>A (p.Ala1006Glu)

Gene: ADNP (activity dependent neuroprotector homeobox; minus strand). Cytogenetic location: 20q13.13.
Variant type: single nucleotide variant.
Coding change: c.3017C>A on transcript NM_001282531.3 (MANE Select); coding-DNA position 3017, C replaced by A.
Protein change: p.Ala1006Glu; replaces alanine 1006 with glutamic acid.
Molecular consequence: missense variant.
Genome position (GRCh38, 1-based): chr20:50,891,697, G>T on the plus strand (C>A on the coding strand, the complement: ADNP is on the minus strand). VCF-style: chr20-50891697-G-T. GRCh37 (hg19) VCF-style: chr20-49508234-G-T.
Other names: c.3017C>A, p.Ala1006Glu (NM_001282532.2, NM_001347511.2, NM_015339.5 and 1 more transcripts); short protein forms A1006E.
Identifiers: ClinVar variation 2694130 (VCV002694130.4), dbSNP rs762039872, ClinGen allele CA408967282.